The following is an entry in ClinVar:

NM_001244008.2(KIF1A):c.3646G>T (p.Ala1216Ser)

Gene: KIF1A (kinesin family member 1A; minus strand). Cytogenetic location: 2q37.3.
Variant type: single nucleotide variant.
Coding change: c.3646G>T on transcript NM_001244008.2 (MANE Select); coding-DNA position 3646, G replaced by T.
Protein change: p.Ala1216Ser; replaces alanine 1216 with serine.
Molecular consequence: missense variant.
Genome position (GRCh38, 1-based): chr2:240,741,372, C>A on the plus strand (G>T on the coding strand, the complement: KIF1A is on the minus strand). VCF-style: chr2-240741372-C-A. GRCh37 (hg19) VCF-style: chr2-241680789-C-A.
Other names: c.3370G>T, p.Ala1124Ser (NM_001320705.2, NM_001330289.2, NM_001379638.1); c.3445G>T, p.Ala1149Ser (NM_001330290.2, NM_001379634.1, NM_001379635.1 and 1 more transcripts); c.3721G>T, p.Ala1241Ser (NM_001379631.1); c.3595G>T, p.Ala1199Ser (NM_001379632.1); c.3619G>T, p.Ala1207Ser (NM_001379633.1, NM_001379642.1, NM_001379645.1); c.3343G>T, p.Ala1115Ser (NM_001379636.1, NM_001379639.1, NM_001379641.1 and 6 more transcripts); c.3418G>T, p.Ala1140Ser (NM_001379637.1, NM_001379648.1); c.3340G>T, p.Ala1114Ser (NM_001379640.1); short protein forms A1149S, A1216S, A1115S, A1199S, A1207S, A1124S, A1140S, A1114S.
Identifiers: ClinVar variation 1977646 (VCV001977646.5), dbSNP rs368057315, ClinGen allele CA351315735.

ClinVar aggregate classification (germline): Uncertain significance (1 of 4 stars; one submission).

Conditions:
Hereditary spastic paraplegia 30. Identifiers: Orphanet 101010, MedGen C5235139, MONDO:0012476.
Neuropathy, hereditary sensory, type 2C. Also called: Hereditary sensory and autonomic neuropathy type IIC; KIF1A-Related HSAN2 (HSAN2C). Identifiers: Orphanet 970, MedGen C3280168, MONDO:0013634, OMIM 614213.
Intellectual disability, autosomal dominant 9 (NESCAVS). Also called: NESCAV SYNDROME; KIF1A-Related Neurodevelopmental Disorder. Identifiers: Orphanet 662367, MedGen C5393830, MONDO:0013656, OMIM 614255.

gnomAD v4.1: 4 of 1,569,650 alleles (0.00025%); highest among the groups gnomAD compares: South Asian, 0.0012%; no homozygotes.

Submission:

Labcorp Genetics (formerly Invitae), Labcorp
Classification: Uncertain significance for Hereditary spastic paraplegia 30; Neuropathy, hereditary sensory, type 2C; Intellectual disability, autosomal dominant 9. Last evaluated: 2025-02-19. Review status: criteria provided, single submitter. Criteria: Invitae Variant Classification Sherloc (09022015). Collection method: clinical testing. Allele origin: germline.
Comment: This sequence change replaces alanine, which is neutral and non-polar, with serine, which is neutral and polar, at codon 1115 of the KIF1A protein (p.Ala1115Ser). This variant is not present in population databases (gnomAD no frequency). This variant has not been reported in the literature in individuals affected with KIF1A-related conditions. ClinVar contains an entry for this variant (Variation ID: 1977646). Invitae Evidence Modeling of protein sequence and biophysical properties (such as structural, functional, and spatial information, amino acid conservation, physicochemical variation, residue mobility, and thermodynamic stability) indicates that this missense variant is not expected to disrupt KIF1A protein function with a negative predictive value of 95%. In summary, the available evidence is currently insufficient to determine the role of this variant in disease. Therefore, it has been classified as a Variant of Uncertain Significance.